The following is an entry in ClinVar:

ClinVar aggregate classification (germline): Uncertain significance (1 of 4 stars; one submission).

Conditions:
3-Methylglutaconic aciduria type 2 (BTHS). Also called: Barth syndrome; CARDIOSKELETAL MYOPATHY WITH NEUTROPENIA AND ABNORMAL MITOCHONDRIA. Identifiers: Orphanet 111, MedGen C0574083, MONDO:0010543, OMIM 302060.

Submission:

Labcorp Genetics (formerly Invitae), Labcorp
Classification: Uncertain significance for 3-Methylglutaconic aciduria type 2. Last evaluated: 2025-01-23. Review status: criteria provided, single submitter. Criteria: Invitae Variant Classification Sherloc (09022015). Collection method: clinical testing. Allele origin: germline.
Comment: This sequence change creates a premature translational stop signal (p.Phe269Serfs*9) in the TAZ gene. While this is not anticipated to result in nonsense mediated decay, it is expected to disrupt the last 24 amino acid(s) of the TAZ protein. This variant is not present in population databases (gnomAD no frequency). This variant has not been reported in the literature in individuals affected with TAZ-related conditions. Algorithms developed to predict the effect of sequence changes on RNA splicing suggest that this variant may disrupt the consensus splice site. This variant disrupts the C-terminus of the TAZ protein. Other variant(s) that disrupt this region (p.Gln275*) have been observed in individuals with TAZ-related conditions (internal data). This suggests that this may be a clinically significant region of the protein. In summary, the available evidence is currently insufficient to determine the role of this variant in disease. Therefore, it has been classified as a Variant of Uncertain Significance.

NM_000116.5(TAFAZZIN):c.804del (p.Phe269fs)

Gene: TAFAZZIN (tafazzin, phospholipid-lysophospholipid transacylase; plus strand). Cytogenetic location: Xq28.
Variant type: Deletion.
Coding change: c.804del on transcript NM_000116.5 (MANE Select); coding-DNA position 804, one base deleted (C; older notation c.804delC).
Protein change: p.Phe269fs; shifts the reading frame from phenylalanine 269.
Molecular consequence: frameshift variant. On other transcripts: non-coding transcript variant (1).
Genome position (GRCh38, 1-based): chrX:154,420,929, C deleted. VCF-style (leftmost placement, unchanged base first): chrX-154420928-AC-A. GRCh37 (hg19) VCF-style: chrX-153649267-AC-A.
Other names: c.816del, p.Phe273fs (NM_001303465.2); c.768del, p.Phe257fs (NM_001410698.1); c.714del, p.Phe239fs (NM_181311.4); c.762del, p.Phe255fs (NM_181312.4); c.672del, p.Phe225fs (NM_181313.4); short protein forms F273fs, F239fs, F255fs, F257fs, F269fs, F225fs.
Identifiers: ClinVar variation 3729431 (VCV003729431.2).